The following is an entry in ClinVar:

NM_002470.4(MYH3):c.1748A>G (p.Tyr583Cys)

Gene: MYH3 (myosin heavy chain 3; minus strand). Cytogenetic location: 17p13.1.
Variant type: single nucleotide variant.
Coding change: c.1748A>G on transcript NM_002470.4 (MANE Select); coding-DNA position 1748, A replaced by G.
Protein change: p.Tyr583Cys; replaces tyrosine 583 with cysteine.
Molecular consequence: missense variant.
Genome position (GRCh38, 1-based): chr17:10,642,557, T>C on the plus strand (A>G on the coding strand, the complement: MYH3 is on the minus strand). VCF-style: chr17-10642557-T-C. GRCh37 (hg19) VCF-style: chr17-10545874-T-C.
Other names: short protein forms Y583C.
Identifiers: ClinVar variation 2747190 (VCV002747190.3), dbSNP rs1597488038, ClinGen allele CA398171372.

ClinVar aggregate classification (germline): Uncertain significance (1 of 4 stars; one submission).

Submission:

Labcorp Genetics (formerly Invitae), Labcorp
Classification: Uncertain significance. Last evaluated: 2023-06-16. Review status: criteria provided, single submitter. Criteria: Invitae Variant Classification Sherloc (09022015). Collection method: clinical testing. Allele origin: germline.
Comment: In summary, the available evidence is currently insufficient to determine the role of this variant in disease. Therefore, it has been classified as a Variant of Uncertain Significance. This sequence change replaces tyrosine, which is neutral and polar, with cysteine, which is neutral and slightly polar, at codon 583 of the MYH3 protein (p.Tyr583Cys). This variant is not present in population databases (gnomAD no frequency). This variant has not been reported in the literature in individuals affected with MYH3-related conditions. Advanced modeling of protein sequence and biophysical properties (such as structural, functional, and spatial information, amino acid conservation, physicochemical variation, residue mobility, and thermodynamic stability) performed at Invitae indicates that this missense variant is expected to disrupt MYH3 protein function. This variant disrupts the Tyr583 amino acid residue in MYH3. Other variant(s) that disrupt this residue have been determined to be pathogenic (PMID: 16642020). This suggests that this residue is clinically significant, and that variants that disrupt this residue are likely to be disease-causing.

Literature cited by the submitters: PubMed 16642020.